The following is an entry in ClinVar:

ClinVar aggregate classification (germline): Uncertain significance (1 of 4 stars; one submission).

Submission:

Labcorp Genetics (formerly Invitae), Labcorp
Classification: Uncertain significance. Last evaluated: 2019-07-28. Review status: criteria provided, single submitter. Criteria: Invitae Variant Classification Sherloc (09022015). Collection method: clinical testing. Allele origin: germline.
Comment: In summary, the available evidence is currently insufficient to determine the role of this variant in disease. Therefore, it has been classified as a Variant of Uncertain Significance. Algorithms developed to predict the effect of missense changes on protein structure and function are either unavailable or do not agree on the potential impact of this missense change (SIFT: "Deleterious"; PolyPhen-2: "Probably Damaging"; Align-GVGD: "Class C0"). This variant has not been reported in the literature in individuals with TRPM1-related conditions. This variant is not present in population databases (ExAC no frequency). This sequence change replaces glutamine with histidine at codon 15 of the TRPM1 protein (p.Gln15His). The glutamine residue is moderately conserved and there is a small physicochemical difference between glutamine and histidine.

NM_001252024.2(TRPM1):c.111G>T (p.Gln37His)

Gene: TRPM1 (transient receptor potential cation channel subfamily M member 1; minus strand). Cytogenetic location: 15q13.3.
Variant type: single nucleotide variant.
Coding change: c.111G>T on transcript NM_001252024.2 (MANE Select); coding-DNA position 111, G replaced by T.
Protein change: p.Gln37His; replaces glutamine 37 with histidine.
Molecular consequence: missense variant.
Genome position (GRCh38, 1-based): chr15:31,070,199, C>A on the plus strand (G>T on the coding strand, the complement: TRPM1 is on the minus strand). VCF-style: chr15-31070199-C-A. GRCh37 (hg19) VCF-style: chr15-31362402-C-A.
Other names: c.162G>T, p.Gln54His (NM_001252020.2); c.45G>T, p.Gln15His (NM_001252030.2, NM_002420.6); short protein forms Q37H, Q54H, Q15H.
Identifiers: ClinVar variation 959935 (VCV000959935.9), dbSNP rs2034498266, ClinGen allele CA391537644.